The following is an entry in ClinVar:

NM_024675.4(PALB2):c.110G>C (p.Arg37Pro)

Gene: PALB2 (partner and localizer of BRCA2; minus strand). Cytogenetic location: 16p12.2.
Variant type: single nucleotide variant.
Coding change: c.110G>C on transcript NM_024675.4 (MANE Select); coding-DNA position 110, G replaced by C.
Protein change: p.Arg37Pro; replaces arginine 37 with proline.
Molecular consequence: missense variant. On other transcripts: 5 prime UTR variant (8), intron variant (3).
Genome position (GRCh38, 1-based): chr16:23,637,951, C>G on the plus strand (G>C on the coding strand, the complement: PALB2 is on the minus strand). VCF-style: chr16-23637951-C-G. GRCh37 (hg19) VCF-style: chr16-23649272-C-G.
Other names: c.50G>C, p.Arg17Pro (NM_001407296.1); c.110G>C, p.Arg37Pro (NM_001407297.1, NM_001407298.1, NM_001407299.1 and 3 more transcripts); c.-776G>C (NM_001407304.1, NM_001407305.1, NM_001407306.1 and 5 more transcripts); c.48+3159G>C (NM_001407314.1); c.-105+3159G>C (NM_001407313.1, NM_001407312.1); short protein forms R17P, R37P.
Identifiers: ClinVar variation 4730435 (VCV004730435.1).

ClinVar aggregate classification (germline): Uncertain significance (1 of 4 stars; one submission).

Conditions:
Familial cancer of breast. Also called: Hereditary breast cancer; hereditary breast carcinoma; BREAST CANCER, FAMILIAL. Identifiers: Orphanet 227535, MedGen C0346153, MONDO:0016419, OMIM 114480. Disease mechanism: loss of function.

Submission:

Labcorp Genetics (formerly Invitae), Labcorp
Classification: Uncertain significance for Familial cancer of breast. Last evaluated: 2025-11-03. Review status: criteria provided, single submitter. Criteria: Invitae Variant Classification Sherloc (09022015). Collection method: clinical testing. Allele origin: germline.
Comment: This sequence change replaces arginine, which is basic and polar, with proline, which is neutral and non-polar, at codon 37 of the PALB2 protein (p.Arg37Pro). This variant is not present in population databases (gnomAD no frequency). This variant has not been reported in the literature in individuals affected with PALB2-related conditions. An algorithm developed to predict the effect of missense changes on protein structure and function (PolyPhen-2) suggests that this variant is likely to be disruptive. Experimental studies are conflicting or provide insufficient evidence to determine the effect of this variant on PALB2 function (PMID: 33964450). In summary, the available evidence is currently insufficient to determine the role of this variant in disease. Therefore, it has been classified as a Variant of Uncertain Significance.

Literature cited by the submitters: PubMed 33964450.